The following is an entry in ClinVar:

NM_000488.4(SERPINC1):c.124_125insATGT (p.Ala42fs)

Gene: SERPINC1 (serpin family C member 1; minus strand). Cytogenetic location: 1q25.1.
Variant type: Insertion.
Coding change: c.124_125insATGT on transcript NM_000488.4 (MANE Select); coding-DNA positions 124 to 125, ATGT inserted.
Protein change: p.Ala42fs; shifts the reading frame from alanine 42.
Molecular consequence: frameshift variant. On other transcripts: 5 prime UTR variant (1).
Genome position: GRCh38 VCF-style: chr1-173914836-G-GACAT. GRCh37 (hg19) VCF-style: chr1-173883974-G-GACAT.
Other names: p.Ala42Aspfs*24; c.-21_-20insATGT (NM_001365052.2); c.124_125insATGT, p.Ala42fs (NM_001386302.1, NM_001386304.1, NM_001386305.1 and 1 more transcripts); c.205_206insATGT, p.Ala69fs (NM_001386303.1); short protein forms A42fs, A69fs.
Identifiers: ClinVar variation 4541938 (VCV004541938.1).
Genomic context (GRCh38, chr1:173,914,836, plus strand): 5'-GCCTTCTTCTCCGGGGAGCGGTAAATGCACATGGGATTCATGGGAATGTCCCGCGGCTTG[G>GACAT]CTGTGCAGATGTCCACAGGGCTCCCGTGACAGGTCACGCAGTCCCAGAAGCCAATGAGCA-3'

ClinVar aggregate classification (germline): Likely pathogenic (1 of 4 stars; one submission).

Submission:

Mayo Clinic Laboratories, Mayo Clinic
Classification: Likely pathogenic. Last evaluated: 2025-01-22. Review status: criteria provided, single submitter. Criteria: ACMG Guidelines, 2015. Collection method: clinical testing. Allele origin: germline. Observed: 1 variant allele.
Comment: PM2_supporting, PVS1